The following is an entry in ClinVar:

ClinVar aggregate classification (germline): Uncertain significance (1 of 4 stars; one submission).

Submission:

Labcorp Genetics (formerly Invitae), Labcorp
Classification: Uncertain significance. Last evaluated: 2024-11-06. Review status: criteria provided, single submitter. Criteria: Invitae Variant Classification Sherloc (09022015). Collection method: clinical testing. Allele origin: germline.
Comment: This sequence change replaces histidine, which is basic and polar, with arginine, which is basic and polar, at codon 1203 of the ERBIN protein (p.His1203Arg). This variant is present in population databases (rs780890266, gnomAD 0.001%). This variant has not been reported in the literature in individuals affected with ERBIN-related conditions. An algorithm developed to predict the effect of missense changes on protein structure and function (PolyPhen-2) suggests that this variant is likely to be disruptive. In summary, the available evidence is currently insufficient to determine the role of this variant in disease. Therefore, it has been classified as a Variant of Uncertain Significance.

NM_001253697.2(ERBIN):c.3608A>G (p.His1203Arg)

Gene: ERBIN (erbb2 interacting protein; plus strand). Cytogenetic location: 5q12.3.
Variant type: single nucleotide variant.
Coding change: c.3608A>G on transcript NM_001253697.2 (MANE Select); coding-DNA position 3608, A replaced by G.
Protein change: p.His1203Arg; replaces histidine 1203 with arginine.
Molecular consequence: missense variant.
Genome position (GRCh38, 1-based): chr5:66,054,926, A>G. VCF-style: chr5-66054926-A-G. GRCh37 (hg19) VCF-style: chr5-65350754-A-G.
Other names: c.3608A>G, p.His1203Arg (NM_001006600.3, NM_001253698.2, NM_001253699.2 and 1 more transcripts); c.3596A>G, p.His1199Arg (NM_001253701.2); short protein forms H1199R, H1203R.
Identifiers: ClinVar variation 3724806 (VCV003724806.2).